The following is an entry in ClinVar:

ClinVar aggregate classification (germline): Uncertain significance (1 of 4 stars; one submission).

Allele frequency attached by ClinVar (database versions not stated): gnomAD exomes below 0.00001 and 0.00001; ExAC 0.00001; gnomAD 0.00001; TOPMed 0.00001; ESP Exome Variant Server 0.00008.
gnomAD v4.1: 11 of 1,614,044 alleles (0.00068%); highest among the groups gnomAD compares: East Asian, 0.0022%; no homozygotes.

Submission:

Labcorp Genetics (formerly Invitae), Labcorp
Classification: Uncertain significance. Last evaluated: 2025-04-18. Review status: criteria provided, single submitter. Criteria: Invitae Variant Classification Sherloc (09022015). Collection method: clinical testing. Allele origin: germline.
Comment: This sequence change replaces arginine, which is basic and polar, with glutamine, which is neutral and polar, at codon 55 of the CSF2RB protein (p.Arg55Gln). This variant is present in population databases (rs370000670, gnomAD 0.007%). This variant has not been reported in the literature in individuals affected with CSF2RB-related conditions. ClinVar contains an entry for this variant (Variation ID: 1388218). Invitae Evidence Modeling of protein sequence and biophysical properties (such as structural, functional, and spatial information, amino acid conservation, physicochemical variation, residue mobility, and thermodynamic stability) indicates that this missense variant is not expected to disrupt CSF2RB protein function with a negative predictive value of 80%. In summary, the available evidence is currently insufficient to determine the role of this variant in disease. Therefore, it has been classified as a Variant of Uncertain Significance.

NM_000395.3(CSF2RB):c.164G>A (p.Arg55Gln)

Gene: CSF2RB (colony stimulating factor 2 receptor subunit beta; plus strand). Cytogenetic location: 22q12.3.
Variant type: single nucleotide variant.
Coding change: c.164G>A on transcript NM_000395.3 (MANE Select); coding-DNA position 164, G replaced by A.
Protein change: p.Arg55Gln; replaces arginine 55 with glutamine.
Molecular consequence: missense variant.
Genome position (GRCh38, 1-based): chr22:36,923,331, G>A. VCF-style: chr22-36923331-G-A. GRCh37 (hg19) VCF-style: chr22-37319373-G-A.
Other names: short protein forms R55Q.
Identifiers: ClinVar variation 1388218 (VCV001388218.8), dbSNP rs370000670, ClinGen allele CA10213371.